The following is an entry in ClinVar:

NM_000092.5(COL4A4):c.3317G>A (p.Gly1106Asp)

Gene: COL4A4 (collagen type IV alpha 4 chain; minus strand). Cytogenetic location: 2q36.3.
Variant type: single nucleotide variant.
Coding change: c.3317G>A on transcript NM_000092.5 (MANE Select); coding-DNA position 3317, G replaced by A.
Protein change: p.Gly1106Asp; replaces glycine 1106 with aspartic acid.
Molecular consequence: missense variant.
Genome position (GRCh38, 1-based): chr2:227,043,157, C>T on the plus strand (G>A on the coding strand, the complement: COL4A4 is on the minus strand). VCF-style: chr2-227043157-C-T. GRCh37 (hg19) VCF-style: chr2-227907873-C-T.
Other names: short protein forms G1106D.
Identifiers: ClinVar variation 585529 (VCV000585529.15), dbSNP rs1559482299, ClinGen allele CA350838544.

ClinVar aggregate classification (germline): Conflicting classifications of pathogenicity. Review status: criteria provided, conflicting classifications (1 of 4 stars). 7 submissions from 7 submitters: Likely pathogenic (5); Uncertain significance (1). 1 of the submissions does not count toward it. Last evaluated 2026-08-13.

Conditions:
COL4A4-related disorder.
Autosomal recessive Alport syndrome (ATS2). Also called: ALPORT SYNDROME 2, AUTOSOMAL RECESSIVE; COL4A3-Related Nephropathy; COL4A4 Alport Syndrome and Thin Basement Membrane Nephropathy; Alport syndrome type 2. Identifiers: Orphanet 63, Orphanet 88919, MedGen C4746745, MONDO:0008762, OMIM 203780.
Hematuria, benign familial, 1 (BFH1). Also called: THIN MEMBRANE NEPHROPATHY. Identifiers: MedGen CN376803, MONDO:0007709, OMIM 141200.
Alport syndrome. Also called: Hemorrhagic familial nephritis; Hemorrhagic hereditary nephritis; Congenital hereditary hematuria. Identifiers: Orphanet 63, MedGen C1567741, MONDO:0018965.

Allele frequency attached by ClinVar (database versions not stated): gnomAD 0.00001; gnomAD exomes below 0.00001.
gnomAD v4.1: 3 of 1,613,998 alleles (0.00019%); highest among the groups gnomAD compares: Admixed American, 0.005%; no homozygotes.

Submissions (7):

GeneDx
Classification: Uncertain significance. Last evaluated: 2026-08-13. Review status: criteria provided, single submitter. Criteria: GeneDx Variant Classification Process June 2021. Collection method: clinical testing. Allele origin: germline.
Comment: Affects a glycine residue in a Gly-X-Y motif in the triple helical region of the COL4A4 gene; In silico analysis supports that this missense variant has a deleterious effect on protein structure/function; Has not been previously published as pathogenic or benign to our knowledge

Natera, Inc.
Classification: Likely pathogenic for Alport syndrome. Last evaluated: 2025-09-05. Review status: criteria provided, single submitter. Criteria: Natera Variant Classification Schema (03/2026). Collection method: clinical testing. Allele origin: germline.
Comment: The c.3317G>A variant in COL4A4 is a missense variant predicted to cause substitution of glycine to aspartic acid at amino acid 1106. This variant is rare in the general population with a frequency below the threshold expected for the associated phenotype(s). This variant is located in a functionally critical region of the protein. Computational prediction algorithms indicate this variant is likely to affect gene or protein function. Given the available evidence, this variant is classified as Likely Pathogenic.

Labcorp Genetics (formerly Invitae), Labcorp
Classification: Likely pathogenic. Last evaluated: 2025-08-03. Review status: criteria provided, single submitter. Criteria: Invitae Variant Classification Sherloc (09022015). Collection method: clinical testing. Allele origin: germline.
Comment: This sequence change replaces glycine, which is neutral and non-polar, with aspartic acid, which is acidic and polar, at codon 1106 of the COL4A4 protein (p.Gly1106Asp). This variant is not present in population databases (gnomAD no frequency). This missense change has been observed in individual(s) with clinical features of Alport syndrome (internal data). It has also been observed to segregate with disease in related individuals. ClinVar contains an entry for this variant (Variation ID: 585529). Invitae Evidence Modeling of protein sequence and biophysical properties (such as structural, functional, and spatial information, amino acid conservation, physicochemical variation, residue mobility, and thermodynamic stability) indicates that this missense variant is expected to disrupt COL4A4 protein function with a positive predictive value of 95%. In summary, the currently available evidence indicates that the variant is pathogenic, but additional data are needed to prove that conclusively. Therefore, this variant has been classified as Likely Pathogenic.

Molecular Genetics McLendon Clinical Laboratories, University of North Carolina at Chapel Hill
Classification: Likely pathogenic for Autosomal recessive Alport syndrome. Last evaluated: 2025-03-12. Review status: criteria provided, single submitter. Criteria: ACMG Guidelines, 2015. Collection method: clinical testing. Allele origin: germline.

Fulgent Genetics
Classification: Likely pathogenic for Hematuria, benign familial, 1; Autosomal recessive Alport syndrome. Last evaluated: 2024-05-09. Review status: criteria provided, single submitter. Criteria: ACMG Guidelines, 2015. Collection method: clinical testing. Allele origin: germline.

Athena Diagnostics
Classification: Likely pathogenic. Last evaluated: 2018-05-04. Review status: criteria provided, single submitter. Criteria: Athena Diagnostics Criteria. Collection method: clinical testing. Allele origin: germline.

PreventionGenetics, part of Exact Sciences
Classification: Likely pathogenic for COL4A4-related condition. Last evaluated: 2024-05-08. Review status: no assertion criteria provided. Collection method: clinical testing. Allele origin: germline. Not counted in ClinVar's aggregate classification.
Comment: The COL4A4 c.3317G>A variant is predicted to result in the amino acid substitution p.Gly1106Asp. To our knowledge, this variant has not been reported in the literature or in a large population database, indicating this variant is rare. The p.Gly1106Asp variant affects a Gly residue of the conserved triple helical domain (residues 65 – 1459) of the COL4A4 protein. The majority of pathogenic variants in COL4A4 substitute a glycine residue to a bulkier amino acid in the triple-helical domain (Hudson et al. 1993. PubMed ID: 8253711). This variant is interpreted as likely pathogenic.